The following is an entry in ClinVar:

NM_000051.4(ATM):c.3154-12C>T

Gene: ATM (ATM serine/threonine kinase; plus strand). Cytogenetic location: 11q22.3.
Variant type: single nucleotide variant.
Coding change: c.3154-12C>T on transcript NM_000051.4 (MANE Select); 12 bases into the intron before coding-DNA position 3154, C replaced by T.
Molecular consequence: intron variant.
Genome position (GRCh38, 1-based): chr11:108,272,710, C>T. VCF-style: chr11-108272710-C-T. GRCh37 (hg19) VCF-style: chr11-108143437-C-T.
Other names: c.3154-12C>T (NM_001351834.2).
Identifiers: ClinVar variation 2972292 (VCV002972292.4), dbSNP rs781387283, ClinGen allele CA602132638.

ClinVar aggregate classification (germline): Likely benign. Review status: criteria provided, multiple submitters, no conflicts (2 of 4 stars). 2 submissions from 2 submitters: Likely benign (2). Last evaluated 2024-05-13.

Conditions:
Ataxia-telangiectasia syndrome (AT). Also called: AT, COMPLEMENTATION GROUP C; ATAXIA-TELANGIECTASIA, COMPLEMENTATION GROUP A; ATAXIA-TELANGIECTASIA, FRESNO VARIANT; Ataxia-telangiectasia; Ataxia-telangiectasia, complementation group D; Ataxia-telangiectasia, complementation group E. Identifiers: Orphanet 100, MedGen C0004135, MONDO:0008840, OMIM 208900.
Familial cancer of breast. Also called: BREAST CANCER, FAMILIAL; hereditary breast carcinoma; Hereditary breast cancer. Identifiers: Orphanet 227535, MedGen C0346153, MONDO:0016419, OMIM 114480. Disease mechanism: loss of function.

Allele frequency attached by ClinVar (database versions not stated): TOPMed 0.00001.
gnomAD v4.1: 1 of 1,613,862 alleles (0.000062%); highest among the groups gnomAD compares: Admixed American, 0.0017%; no homozygotes.

Submissions (2):

Myriad Genetics, Inc.
Classification: Likely benign for Familial cancer of breast. Last evaluated: 2024-05-13. Review status: criteria provided, single submitter. Criteria: Myriad Autosomal Dominant, Autosomal Recessive and X-Linked Classification Criteria (2023). Collection method: clinical testing. Allele origin: unknown.
Comment: This variant is considered likely benign. This variant is intronic and is not expected to impact mRNA splicing.

Labcorp Genetics (formerly Invitae), Labcorp
Classification: Likely benign for Ataxia-telangiectasia syndrome. Last evaluated: 2023-03-15. Review status: criteria provided, single submitter. Criteria: Invitae Variant Classification Sherloc (09022015). Collection method: clinical testing. Allele origin: germline.